The following is an entry in ClinVar:

ClinVar aggregate classification (germline): Uncertain significance (1 of 4 stars; one submission).

Submission:

GeneDx
Classification: Uncertain significance. Last evaluated: 2026-04-25. Review status: criteria provided, single submitter. Criteria: GeneDx Variant Classification Process June 2021. Collection method: clinical testing. Allele origin: germline.
Comment: Not observed at significant frequency in large population cohorts (gnomAD); In silico analysis supports that this missense variant has a deleterious effect on protein structure/function; Has not been previously published as pathogenic or benign to our knowledge

NM_015001.3(SPEN):c.9356C>G (p.Ser3119Cys)

Gene: SPEN (spen family transcriptional repressor; plus strand). Cytogenetic location: 1p36.13.
Variant type: single nucleotide variant.
Coding change: c.9356C>G on transcript NM_015001.3 (MANE Select); coding-DNA position 9356, C replaced by G.
Protein change: p.Ser3119Cys; replaces serine 3119 with cysteine.
Molecular consequence: missense variant.
Genome position (GRCh38, 1-based): chr1:15,935,596, C>G. VCF-style: chr1-15935596-C-G. GRCh37 (hg19) VCF-style: chr1-16262091-C-G.
Other names: short protein forms S3119C.
Identifiers: ClinVar variation 5037653 (VCV005037653.1).
Genomic context (GRCh38, chr1:15,935,596, plus strand): 5'-GAATGAACACTCCCACGCTGCCCAGTATCACCTACAGCATCCGGCCAGAAGCGCTTCACT[C>G]TCCTCGGGCTCCGCTGCAGCCCCAGCAAATAGAGGTCAGGGCCCCACAGCGTGCCAGCAC-3'
Protein context (NP_055816.2, residues 3109-3129): TYSIRPEALH[Ser3119Cys]PRAPLQPQQI